The following is an entry in ClinVar:

NM_016151.4(TAOK2):c.2125C>T (p.Gln709Ter)

Gene: TAOK2 (TAO kinase 2; plus strand). Cytogenetic location: 16p11.2.
Variant type: single nucleotide variant.
Coding change: c.2125C>T on transcript NM_016151.4 (MANE Select); coding-DNA position 2125, C replaced by T.
Protein change: p.Gln709Ter; replaces glutamine 709 with a stop codon.
Molecular consequence: nonsense.
Genome position (GRCh38, 1-based): chr16:29,986,397, C>T. VCF-style: chr16-29986397-C-T. GRCh37 (hg19) VCF-style: chr16-29997718-C-T.
Other names: c.2125C>T, p.Gln709Ter (NM_001252043.2, NM_004783.4); short protein forms Q709*.
Identifiers: ClinVar variation 2019797 (VCV002019797.4), dbSNP rs2543659847, ClinGen allele CA395489151.
Genomic context (GRCh38, chr16:29,986,397, plus strand): 5'-GAGCTGGAGCTGCGGCAGCTCCAGGCCGTGCAGCGCACGCGGGCTGAGCTCACCCGCCTG[C>T]AGCACCAGACGGAGCTGGGCAACCAGCTGGAGTACAACAAGCGGCGTGAGCAAGAGTTGC-3'

ClinVar aggregate classification (germline): Uncertain significance (1 of 4 stars; one submission).

Submission:

Labcorp Genetics (formerly Invitae), Labcorp
Classification: Uncertain significance. Last evaluated: 2024-10-16. Review status: criteria provided, single submitter. Criteria: Invitae Variant Classification Sherloc (09022015). Collection method: clinical testing. Allele origin: germline.
Comment: This sequence change creates a premature translational stop signal (p.Gln709*) in the TAOK2 gene. While this is not anticipated to result in nonsense mediated decay, it is expected to disrupt the last 527 amino acid(s) of the TAOK2 protein. This variant is not present in population databases (gnomAD no frequency). This variant has not been reported in the literature in individuals affected with TAOK2-related conditions. ClinVar contains an entry for this variant (Variation ID: 2019797). Experimental studies and prediction algorithms are not available or were not evaluated, and the functional significance of this variant is currently unknown. In summary, the available evidence is currently insufficient to determine the role of this variant in disease. Therefore, it has been classified as a Variant of Uncertain Significance.